The following is an entry in ClinVar:

ClinVar aggregate classification (germline): Uncertain significance (1 of 4 stars; one submission).

Conditions:
TELO2-related intellectual disability-neurodevelopmental disorder. Also called: You-Hoover-Fong syndrome. Identifiers: Orphanet 488642, MedGen C4310778, MONDO:0014848, OMIM 616954.

gnomAD v4.1: 8 of 1,611,312 alleles (0.0005%); highest among the groups gnomAD compares: Non-Finnish European, 0.00059%; no homozygotes.

Submission:

Neuberg Centre For Genomic Medicine, NCGM
Classification: Uncertain significance for TELO2-related intellectual disability-neurodevelopmental disorder. Last evaluated: 2024-02-01. Review status: criteria provided, single submitter. Criteria: ACMG Guidelines, 2015. Collection method: clinical testing. Allele origin: germline. Inheritance: Autosomal recessive inheritance.
Comment: The synonymous c.1770G>A (p.Pro590) variant, adjacent to splice region in TELO2 gene has not been reported previously as a pathogenic variant nor as a benign variant, to our knowledge. Additional functional studies will be required to prove the pathogenicity of this variant conclusively.

NM_016111.4(TELO2):c.1770G>A (p.Pro590=)

Gene: TELO2 (telomere maintenance 2; plus strand). Cytogenetic location: 16p13.3.
Variant type: single nucleotide variant.
Coding change: c.1770G>A on transcript NM_016111.4 (MANE Select); coding-DNA position 1770, G replaced by A.
Protein change: p.Pro590=; no amino-acid change (proline 590 retained).
Molecular consequence: synonymous variant.
Genome position (GRCh38, 1-based): chr16:1,502,761, G>A. VCF-style: chr16-1502761-G-A. GRCh37 (hg19) VCF-style: chr16-1552762-G-A.
Other names: c.1770G>A, p.Pro590= (NM_001351846.2).
Identifiers: ClinVar variation 3898001 (VCV003898001.1).